The following is an entry in ClinVar:

NM_001122630.2(CDKN1C):c.454G>T (p.Ala152Ser)

Gene: CDKN1C (cyclin dependent kinase inhibitor 1C; minus strand). Cytogenetic location: 11p15.4.
Variant type: single nucleotide variant.
Coding change: c.454G>T on transcript NM_001122630.2 (MANE Select); coding-DNA position 454, G replaced by T.
Protein change: p.Ala152Ser; replaces alanine 152 with serine.
Molecular consequence: missense variant. On other transcripts: intron variant (1).
Genome position (GRCh38, 1-based): chr11:2,885,003, C>A on the plus strand (G>T on the coding strand, the complement: CDKN1C is on the minus strand). VCF-style: chr11-2885003-C-A. GRCh37 (hg19) VCF-style: chr11-2906233-C-A.
Other names: c.487G>T, p.Ala163Ser (NM_000076.2, NM_001362474.2); c.454G>T, p.Ala152Ser (NM_001122631.2); c.255+199G>T (NM_001362475.2); short protein forms A152S, A163S.
Identifiers: ClinVar variation 1053065 (VCV001053065.10), dbSNP rs2133784469, ClinGen allele CA379146603.
Genomic context (GRCh38, chr11:2,885,003, plus strand): 5'-CCGGGGCCGGGGCCAGGACCGCGACCGCGACCGGAGCCGCGACCGGAGCCGCGACCGGAG[C>A]CGGAGCCGGGGCCGGGGCTGGAGCCAGGACCGGGACTGGGGGCGGGGTGGACGCCGGGGC-3'
Protein context (NP_001116102.1, residues 142-162): VLAPAPAPAP[Ala152Ser]PVAAPVAAPV

ClinVar aggregate classification (germline): Uncertain significance (1 of 4 stars; one submission).

Conditions:
Beckwith-Wiedemann syndrome (BWS). Also called: Exomphalos macroglossia gigantism syndrome; EMG SYNDROME. Identifiers: Orphanet 116, MedGen C0004903, MONDO:0007534, OMIM 130650.

Submission:

Labcorp Genetics (formerly Invitae), Labcorp
Classification: Uncertain significance for Beckwith-Wiedemann syndrome. Last evaluated: 2024-06-30. Review status: criteria provided, single submitter. Criteria: Invitae Variant Classification Sherloc (09022015). Collection method: clinical testing. Allele origin: germline.
Comment: This sequence change replaces alanine, which is neutral and non-polar, with serine, which is neutral and polar, at codon 163 of the CDKN1C protein (p.Ala163Ser). The frequency data for this variant in the population databases is considered unreliable, as metrics indicate insufficient coverage at this position in the gnomAD database. This variant has not been reported in the literature in individuals affected with CDKN1C-related conditions. ClinVar contains an entry for this variant (Variation ID: 1053065). Advanced modeling of protein sequence and biophysical properties (such as structural, functional, and spatial information, amino acid conservation, physicochemical variation, residue mobility, and thermodynamic stability) performed at Invitae indicates that this missense variant is not expected to disrupt CDKN1C protein function with a negative predictive value of 80%. In summary, the available evidence is currently insufficient to determine the role of this variant in disease. Therefore, it has been classified as a Variant of Uncertain Significance.